The following is an entry in ClinVar:

ClinVar aggregate classification (germline): Likely pathogenic (1 of 4 stars; one submission).

Conditions:
Neurofibromatosis, type 1 (NF1). Also called: NEUROFIBROMATOSIS, TYPE I, SOMATIC; Neurofibromatosis, type I; VON RECKLINGHAUSEN DISEASE; Peripheral type neurofibromatosis. Identifiers: Orphanet 636, MedGen C0027831, MONDO:0018975, OMIM 162200. Disease mechanism: loss of function.

Submission:

Labcorp Genetics (formerly Invitae), Labcorp
Classification: Likely pathogenic for Neurofibromatosis, type 1. Last evaluated: 2025-11-18. Review status: criteria provided, single submitter. Criteria: Invitae Variant Classification Sherloc (09022015). Collection method: clinical testing. Allele origin: germline.
Comment: This sequence change replaces isoleucine, which is neutral and non-polar, with arginine, which is basic and polar, at codon 177 of the NF1 protein (p.Ile177Arg). This variant is not present in population databases (gnomAD no frequency). This missense change has been observed in individual(s) with clinical features of neurofibromatosis type 1 (internal data). In at least one individual the variant was observed to be de novo. ClinVar contains an entry for this variant (Variation ID: 1486416). Invitae Evidence Modeling of protein sequence and biophysical properties (such as structural, functional, and spatial information, amino acid conservation, physicochemical variation, residue mobility, and thermodynamic stability) has been performed for this missense variant. However, the output from this modeling did not meet the statistical confidence thresholds required to predict the impact of this variant on NF1 protein function. In summary, the currently available evidence indicates that the variant is pathogenic, but additional data are needed to prove that conclusively. Therefore, this variant has been classified as Likely Pathogenic.

NM_001042492.3(NF1):c.530T>G (p.Ile177Arg)

Gene: NF1 (neurofibromin 1; plus strand). Cytogenetic location: 17q11.2.
Variant type: single nucleotide variant.
Coding change: c.530T>G on transcript NM_001042492.3 (MANE Select); coding-DNA position 530, T replaced by G.
Protein change: p.Ile177Arg; replaces isoleucine 177 with arginine.
Molecular consequence: missense variant.
Genome position (GRCh38, 1-based): chr17:31,169,941, T>G. VCF-style: chr17-31169941-T-G. GRCh37 (hg19) VCF-style: chr17-29496959-T-G.
Other names: c.530T>G, p.Ile177Arg (NM_000267.4, NM_001128147.3); short protein forms I177R.
Identifiers: ClinVar variation 1486416 (VCV001486416.8), dbSNP rs2143707493, ClinGen allele CA398985108.
Genomic context (GRCh38, chr17:31,169,941, plus strand): 5'-TACTTTTTAGGTTACAGGAATTAACTGTTTGTTCAGAAGACAATGTTGATGTTCATGATA[T>G]AGAATTGTTACAGTATATCAATGTGGATTGTGCAAAATTAAAACGACTCCTGAAGGGTAA-3'
Protein context (NP_001035957.1, residues 167-187): CSEDNVDVHD[Ile177Arg]ELLQYINVDC